The following is an entry in ClinVar:

ClinVar aggregate classification (germline): Uncertain significance. Review status: criteria provided, single submitter (1 of 4 stars). 2 submissions from 2 submitters: Uncertain significance (1). 1 of the submissions does not count toward it. Last evaluated 2025-02-27.

Conditions:
SEMA3E-related disorder. Also called: SEMA3E-related condition.
CHARGE syndrome (CHARGE). Also called: Hittner Hirsch Kreh syndrome; CHARGE ASSOCIATION--COLOBOMA, HEART ANOMALY, CHOANAL ATRESIA, RETARDATION, GENITAL AND EAR ANOMALIES; Coloboma, heart anomaly, choanal atresia, retardation, genital and ear anomalies; CHARGE association; Hall-Hittner syndrome. Identifiers: Orphanet 138, MedGen C0265354, MONDO:0008965.

gnomAD v4.1: 25 of 1,613,672 alleles (0.0015%); highest among the groups gnomAD compares: Non-Finnish European, 0.002%; no homozygotes.

Submissions (2):

Labcorp Genetics (formerly Invitae), Labcorp
Classification: Uncertain significance for CHARGE syndrome. Last evaluated: 2025-02-27. Review status: criteria provided, single submitter. Criteria: Invitae Variant Classification Sherloc (09022015). Collection method: clinical testing. Allele origin: germline.
Comment: This sequence change replaces tryptophan, which is neutral and slightly polar, with cysteine, which is neutral and slightly polar, at codon 196 of the SEMA3E protein (p.Trp196Cys). This variant is present in population databases (rs770789964, gnomAD 0.008%). This variant has not been reported in the literature in individuals affected with SEMA3E-related conditions. ClinVar contains an entry for this variant (Variation ID: 3353759). Invitae Evidence Modeling of protein sequence and biophysical properties (such as structural, functional, and spatial information, amino acid conservation, physicochemical variation, residue mobility, and thermodynamic stability) indicates that this missense variant is expected to disrupt SEMA3E protein function with a positive predictive value of 80%. In summary, the available evidence is currently insufficient to determine the role of this variant in disease. Therefore, it has been classified as a Variant of Uncertain Significance.

PreventionGenetics, part of Exact Sciences
Classification: Uncertain significance for SEMA3E-related condition. Last evaluated: 2024-06-10. Review status: no assertion criteria provided. Collection method: clinical testing. Allele origin: germline. Not counted in ClinVar's aggregate classification.
Comment: The SEMA3E c.588G>C variant is predicted to result in the amino acid substitution p.Trp196Cys. To our knowledge, this variant has not been reported in the literature. This variant is reported in 0.0079% of alleles in individuals of European (Non-Finnish) descent in gnomAD. At this time, the clinical significance of this variant is uncertain due to the absence of conclusive functional and genetic evidence.

NM_012431.3(SEMA3E):c.588G>C (p.Trp196Cys)

Gene: SEMA3E (semaphorin 3E; minus strand). Cytogenetic location: 7q21.11.
Variant type: single nucleotide variant.
Coding change: c.588G>C on transcript NM_012431.3 (MANE Select); coding-DNA position 588, G replaced by C.
Protein change: p.Trp196Cys; replaces tryptophan 196 with cysteine.
Molecular consequence: missense variant.
Genome position (GRCh38, 1-based): chr7:83,408,450, C>G on the plus strand (G>C on the coding strand, the complement: SEMA3E is on the minus strand). VCF-style: chr7-83408450-C-G. GRCh37 (hg19) VCF-style: chr7-83037766-C-G.
Other names: c.408G>C, p.Trp136Cys (NM_001178129.2); short protein forms W136C, W196C.
Identifiers: ClinVar variation 3353759 (VCV003353759.2).